The following is an entry in ClinVar:

ClinVar aggregate classification (germline): Uncertain significance (1 of 4 stars; one submission).

Conditions:
Actin accumulation myopathy (CMYO2A). Also called: Myopathy, actin, congenital, with cores; Nemaline myopathy 3, with intranuclear rods; CONGENITAL MYOPATHY 2A, TYPICAL, AUTOSOMAL DOMINANT; Nemaline myopathy type 3; Myopathy, actin, congenital, with excess of thin myofilaments. Identifiers: Orphanet 98904, MedGen C3711389, MONDO:0008070, OMIM 161800.

Submission:

Labcorp Genetics (formerly Invitae), Labcorp
Classification: Uncertain significance for Actin accumulation myopathy. Last evaluated: 2025-10-06. Review status: criteria provided, single submitter. Criteria: Invitae Variant Classification Sherloc (09022015). Collection method: clinical testing. Allele origin: germline.
Comment: This sequence change replaces lysine, which is basic and polar, with arginine, which is basic and polar, at codon 217 of the ACTA1 protein (p.Lys217Arg). This variant is not present in population databases (gnomAD no frequency). This variant has not been reported in the literature in individuals affected with ACTA1-related conditions. ClinVar contains an entry for this variant (Variation ID: 3715316). Invitae Evidence Modeling of protein sequence and biophysical properties (such as structural, functional, and spatial information, amino acid conservation, physicochemical variation, residue mobility, and thermodynamic stability) indicates that this missense variant is not expected to disrupt ACTA1 protein function with a negative predictive value of 80%. In summary, the available evidence is currently insufficient to determine the role of this variant in disease. Therefore, it has been classified as a Variant of Uncertain Significance.

NM_001100.4(ACTA1):c.650A>G (p.Lys217Arg)

Gene: ACTA1 (actin alpha 1, skeletal muscle; minus strand). Cytogenetic location: 1q42.13.
Variant type: single nucleotide variant.
Coding change: c.650A>G on transcript NM_001100.4 (MANE Select); coding-DNA position 650, A replaced by G.
Protein change: p.Lys217Arg; replaces lysine 217 with arginine.
Molecular consequence: missense variant.
Genome position (GRCh38, 1-based): chr1:229,432,152, T>C on the plus strand (A>G on the coding strand, the complement: ACTA1 is on the minus strand). VCF-style: chr1-229432152-T-C. GRCh37 (hg19) VCF-style: chr1-229567899-T-C.
Other names: short protein forms K217R.
Identifiers: ClinVar variation 3715316 (VCV003715316.2).